The following is an entry in ClinVar:

NM_003998.4(NFKB1):c.2279C>G (p.Ser760Cys)

Gene: NFKB1 (nuclear factor kappa B subunit 1; plus strand). Cytogenetic location: 4q24.
Variant type: single nucleotide variant.
Coding change: c.2279C>G on transcript NM_003998.4 (MANE Select); coding-DNA position 2279, C replaced by G.
Protein change: p.Ser760Cys; replaces serine 760 with cysteine.
Molecular consequence: missense variant.
Genome position (GRCh38, 1-based): chr4:102,610,626, C>G. VCF-style: chr4-102610626-C-G. GRCh37 (hg19) VCF-style: chr4-103531783-C-G.
Other names: c.2276C>G, p.Ser759Cys (NM_001319226.2, NM_001382627.1, NM_001165412.2); c.2279C>G, p.Ser760Cys (NM_001382625.1, NM_001382626.1); c.2237C>G, p.Ser746Cys (NM_001382628.1); c.2279C>G (NM_003998.3); short protein forms S746C, S759C, S760C.
Identifiers: ClinVar variation 1483335 (VCV001483335.10), dbSNP rs2149227862, ClinGen allele CA357753723.

ClinVar aggregate classification (germline): Uncertain significance. Review status: criteria provided, multiple submitters, no conflicts (2 of 4 stars). 2 submissions from 2 submitters: Uncertain significance (2). Last evaluated 2024-08-22.

Conditions:
Immunodeficiency, common variable, 12 (CVID12). Also called: NFKB1 DEFICIENCY; IMMUNODEFICIENCY, COMMON VARIABLE, 12, WITH AUTOIMMUNITY. Identifiers: Orphanet 1572, Orphanet 696874, MedGen C4225277, MONDO:0014697, OMIM 616576.

gnomAD v4.1: 7 of 1,614,038 alleles (0.00043%); highest among the groups gnomAD compares: Non-Finnish European, 0.00059%; no homozygotes.

Submissions (2):

Revvity Omics, Revvity
Classification: Uncertain significance for Immunodeficiency, common variable, 12. Last evaluated: 2024-08-22. Review status: criteria provided, single submitter. Criteria: ACMG Guidelines, 2015. Collection method: clinical testing. Allele origin: germline.

Labcorp Genetics (formerly Invitae), Labcorp
Classification: Uncertain significance. Last evaluated: 2022-09-25. Review status: criteria provided, single submitter. Criteria: Invitae Variant Classification Sherloc (09022015). Collection method: clinical testing. Allele origin: germline.
Comment: This sequence change replaces serine, which is neutral and polar, with cysteine, which is neutral and slightly polar, at codon 760 of the NFKB1 protein (p.Ser760Cys). This variant is not present in population databases (gnomAD no frequency). This variant has not been reported in the literature in individuals affected with NFKB1-related conditions. ClinVar contains an entry for this variant (Variation ID: 1483335). Algorithms developed to predict the effect of missense changes on protein structure and function are either unavailable or do not agree on the potential impact of this missense change (SIFT: "Deleterious"; PolyPhen-2: "Benign"; Align-GVGD: "Class C0"). In summary, the available evidence is currently insufficient to determine the role of this variant in disease. Therefore, it has been classified as a Variant of Uncertain Significance.